The following is an entry in ClinVar:

NM_004260.4(RECQL4):c.3089T>G (p.Phe1030Cys)

Gene: RECQL4 (RecQ like helicase 4; minus strand). Cytogenetic location: 8q24.3.
Variant type: single nucleotide variant.
Coding change: c.3089T>G on transcript NM_004260.4 (MANE Select); coding-DNA position 3089, T replaced by G.
Protein change: p.Phe1030Cys; replaces phenylalanine 1030 with cysteine.
Molecular consequence: missense variant. On other transcripts: non-coding transcript variant (2).
Genome position (GRCh38, 1-based): chr8:144,512,291, A>C on the plus strand (T>G on the coding strand, the complement: RECQL4 is on the minus strand). VCF-style: chr8-144512291-A-C. GRCh37 (hg19) VCF-style: chr8-145737674-A-C.
Other names: c.2795T>G, p.Phe932Cys (NM_001413017.1); c.2891T>G, p.Phe964Cys (NM_001413018.1); c.3164T>G, p.Phe1055Cys (NM_001413019.1); c.2993T>G, p.Phe998Cys (NM_001413020.1); c.2018T>G, p.Phe673Cys (NM_001413021.1, NM_001413022.1, NM_001413024.1 and 4 more transcripts); c.2093T>G, p.Phe698Cys (NM_001413023.1); c.2960T>G, p.Phe987Cys (NM_001413025.1); c.1952T>G, p.Phe651Cys (NM_001413027.1, NM_001413030.1, NM_001413032.1); and 9 more; short protein forms F676C, F1030C, F629C, F673C, F698C, F987C, F541C, F607C.
Identifiers: ClinVar variation 3431891 (VCV003431891.1).

ClinVar aggregate classification (germline): Uncertain significance (1 of 4 stars; one submission).

Conditions:
Inborn genetic diseases. Identifiers: MedGen C0950123, MeSH D030342.

Submission:

Ambry Genetics
Classification: Uncertain significance for Inborn genetic diseases. Last evaluated: 2024-11-27. Review status: criteria provided, single submitter. Criteria: Ambry Variant Classification Scheme 2023. Collection method: clinical testing. Allele origin: germline.
Comment: The p.F1030C variant (also known as c.3089T>G), located in coding exon 18 of the RECQL4 gene, results from a T to G substitution at nucleotide position 3089. The phenylalanine at codon 1030 is replaced by cysteine, an amino acid with highly dissimilar properties. This amino acid position is conserved. In addition, this alteration is predicted to be deleterious by in silico analysis. Based on the available evidence, the clinical significance of this variant remains unclear.